The following is an entry in ClinVar:

NM_001128840.3(CACNA1D):c.6157G>A (p.Asp2053Asn)

Gene: CACNA1D (calcium voltage-gated channel subunit alpha1 D; plus strand). Cytogenetic location: 3p21.1.
Variant type: single nucleotide variant.
Coding change: c.6157G>A on transcript NM_001128840.3 (MANE Select); coding-DNA position 6157, G replaced by A.
Protein change: p.Asp2053Asn; replaces aspartic acid 2053 with asparagine.
Molecular consequence: missense variant.
Genome position (GRCh38, 1-based): chr3:53,810,263, G>A. VCF-style: chr3-53810263-G-A. GRCh37 (hg19) VCF-style: chr3-53844290-G-A.
Other names: c.6217G>A, p.Asp2073Asn (NM_000720.4); c.6085G>A, p.Asp2029Asn (NM_001128839.3); c.6217G>A (NM_000720.2); short protein forms D2053N, D2029N, D2073N.
Identifiers: ClinVar variation 1516731 (VCV001516731.7), dbSNP rs778071347, ClinGen allele CA2455374.

ClinVar aggregate classification (germline): Uncertain significance. Review status: criteria provided, multiple submitters, no conflicts (2 of 4 stars). 3 submissions from 3 submitters: Uncertain significance (3). Last evaluated 2026-01-15.

Conditions:
Inborn genetic diseases. Identifiers: MedGen C0950123, MeSH D030342.

Allele frequency attached by ClinVar (database versions not stated): gnomAD 0.00001; ExAC 0.00002; gnomAD exomes 0.00002 and 0.00003; TOPMed 0.00002.

Submissions (3):

Labcorp Genetics (formerly Invitae), Labcorp
Classification: Uncertain significance. Last evaluated: 2026-01-15. Review status: criteria provided, single submitter. Criteria: Invitae Variant Classification Sherloc (09022015). Collection method: clinical testing. Allele origin: germline.
Comment: This sequence change replaces aspartic acid, which is acidic and polar, with asparagine, which is neutral and polar, at codon 2073 of the CACNA1D protein (p.Asp2073Asn). This variant is present in population databases (rs778071347, gnomAD 0.004%). This variant has not been reported in the literature in individuals affected with CACNA1D-related conditions. ClinVar contains an entry for this variant (Variation ID: 1516731). An algorithm developed to predict the effect of missense changes on protein structure and function (PolyPhen-2) suggests that this variant is likely to be disruptive. In summary, the available evidence is currently insufficient to determine the role of this variant in disease. Therefore, it has been classified as a Variant of Uncertain Significance.

GeneDx
Classification: Uncertain significance. Last evaluated: 2025-03-05. Review status: criteria provided, single submitter. Criteria: GeneDx Variant Classification Process June 2021. Collection method: clinical testing. Allele origin: germline. Affected: yes.
Comment: In silico analysis indicates that this missense variant does not alter protein structure/function; Has not been previously published as pathogenic or benign to our knowledge

Ambry Genetics
Classification: Uncertain significance for Inborn genetic diseases. Last evaluated: 2021-08-02. Review status: criteria provided, single submitter. Criteria: Ambry Variant Classification Scheme 2023. Collection method: clinical testing. Allele origin: germline.